The following is an entry in ClinVar:

ClinVar aggregate classification (germline): Uncertain significance. Review status: criteria provided, multiple submitters, no conflicts (2 of 4 stars). 2 submissions from 2 submitters: Uncertain significance (2). Last evaluated 2023-12-04.

Conditions:
Juvenile polyposis syndrome (JPS). Identifiers: Orphanet 2929, MedGen C0345893, MONDO:0017380, OMIM 174900.
Hereditary cancer-predisposing syndrome. Also called: Tumor predisposition; Hereditary neoplastic syndrome; Neoplastic Syndromes, Hereditary; Hereditary Cancer Syndrome. Identifiers: Orphanet 140162, MedGen C0027672, MeSH D009386, MONDO:0015356.

Submissions (2):

Color Diagnostics, LLC DBA Color Health
Classification: Uncertain significance for Hereditary cancer-predisposing syndrome. Last evaluated: 2023-12-04. Review status: criteria provided, single submitter. Criteria: ACMG Guidelines, 2015. Collection method: clinical testing. Allele origin: germline.
Comment: This missense variant replaces serine with phenylalanine at codon 159 of the BMPR1A protein. Computational prediction is inconclusive regarding the impact of this variant on protein structure and function (internally defined REVEL score threshold 0.5 < inconclusive < 0.7, PMID: 27666373). To our knowledge, functional studies have not been reported for this variant. This variant has not been reported in individuals affected with BMPR1A-related disorders in the literature. This variant has not been identified in the general population by the Genome Aggregation Database (gnomAD). The available evidence is insufficient to determine the role of this variant in disease conclusively. Therefore, this variant is classified as a Variant of Uncertain Significance.

Labcorp Genetics (formerly Invitae), Labcorp
Classification: Uncertain significance for Juvenile polyposis syndrome. Last evaluated: 2022-03-26. Review status: criteria provided, single submitter. Criteria: Invitae Variant Classification Sherloc (09022015). Collection method: clinical testing. Allele origin: germline.
Comment: In summary, the available evidence is currently insufficient to determine the role of this variant in disease. Therefore, it has been classified as a Variant of Uncertain Significance. Advanced modeling of protein sequence and biophysical properties (such as structural, functional, and spatial information, amino acid conservation, physicochemical variation, residue mobility, and thermodynamic stability) performed at Invitae indicates that this missense variant is not expected to disrupt BMPR1A protein function. ClinVar contains an entry for this variant (Variation ID: 926861). This variant has not been reported in the literature in individuals affected with BMPR1A-related conditions. This variant is not present in population databases (gnomAD no frequency). This sequence change replaces serine, which is neutral and polar, with phenylalanine, which is neutral and non-polar, at codon 159 of the BMPR1A protein (p.Ser159Phe).

NM_004329.3(BMPR1A):c.476C>T (p.Ser159Phe)

Gene: BMPR1A (bone morphogenetic protein receptor type 1A; plus strand). Cytogenetic location: 10q23.2.
Variant type: single nucleotide variant.
Coding change: c.476C>T on transcript NM_004329.3 (MANE Select); coding-DNA position 476, C replaced by T.
Protein change: p.Ser159Phe; replaces serine 159 with phenylalanine.
Molecular consequence: missense variant.
Genome position (GRCh38, 1-based): chr10:86,900,072, C>T. VCF-style: chr10-86900072-C-T. GRCh37 (hg19) VCF-style: chr10-88659829-C-T.
Other names: short protein forms S159F.
Identifiers: ClinVar variation 926861 (VCV000926861.9), dbSNP rs1843287105, ClinGen allele CA377450381.